The following is an entry in ClinVar:

ClinVar aggregate classification (germline): Uncertain significance (1 of 4 stars; one submission).

Submission:

Centre of Medical Genetics, University Hospital Muenster
Classification: Uncertain significance. Last evaluated: 2023-03-30. Review status: criteria provided, single submitter. Criteria: ACMG Guidelines, 2015. Collection method: clinical testing. Allele origin: unknown. Affected: yes. Observed: 1 variant allele, 1 heterozygote.
Comment: ACMG categories: PM1,PM2

NM_197968.4(ZMYM2):c.1798C>T (p.Pro600Ser)

Gene: ZMYM2 (zinc finger MYM-type containing 2; plus strand). Cytogenetic location: 13q12.11.
Variant type: single nucleotide variant.
Coding change: c.1798C>T on transcript NM_197968.4 (MANE Select); coding-DNA position 1798, C replaced by T.
Protein change: p.Pro600Ser; replaces proline 600 with serine.
Molecular consequence: missense variant. On other transcripts: non-coding transcript variant (1).
Genome position (GRCh38, 1-based): chr13:20,027,265, C>T. VCF-style: chr13-20027265-C-T. GRCh37 (hg19) VCF-style: chr13-20601405-C-T.
Other names: c.1798C>T, p.Pro600Ser (NM_001190965.4, NM_001353157.2, NM_001353159.2 and 5 more transcripts); c.1603C>T, p.Pro535Ser (NM_001353161.3); c.1537C>T, p.Pro513Ser (NM_001353163.2); short protein forms P513S, P535S, P600S.
Identifiers: ClinVar variation 2504133 (VCV002504133.2), dbSNP rs2503005486, ClinGen allele CA387672695.